The following is an entry in ClinVar:

ClinVar aggregate classification (germline): Uncertain significance (1 of 4 stars; one submission).

Submission:

GeneDx
Classification: Uncertain significance. Last evaluated: 2019-09-06. Review status: criteria provided, single submitter. Criteria: GeneDx Variant Classification Process June 2021. Collection method: clinical testing. Allele origin: germline. Affected: yes.
Comment: Not observed in large population cohorts (Lek et al., 2016); In silico analysis, which includes protein predictors and evolutionary conservation, supports a deleterious effect; Has not been previously published as pathogenic or benign to our knowledge

NM_005445.4(SMC3):c.2861T>C (p.Phe954Ser)

Gene: SMC3 (structural maintenance of chromosomes 3; plus strand). Cytogenetic location: 10q25.2.
Variant type: single nucleotide variant.
Coding change: c.2861T>C on transcript NM_005445.4 (MANE Select); coding-DNA position 2861, T replaced by C.
Protein change: p.Phe954Ser; replaces phenylalanine 954 with serine.
Molecular consequence: missense variant.
Genome position (GRCh38, 1-based): chr10:110,601,853, T>C. VCF-style: chr10-110601853-T-C. GRCh37 (hg19) VCF-style: chr10-112361611-T-C.
Other names: short protein forms F954S.
Identifiers: ClinVar variation 1312209 (VCV001312209.2), dbSNP rs2134752736, ClinGen allele CA378393875.